The following is an entry in ClinVar:

ClinVar aggregate classification (germline): Pathogenic (1 of 4 stars; one submission).

Conditions:
Mitochondrial hypertrophic cardiomyopathy with lactic acidosis due to MTO1 deficiency. Also called: Combined oxidative phosphorylation deficiency 10; CARDIOMYOPATHY, INFANTILE HYPERTROPHIC MITOCHONDRIAL, AND LACTIC ACIDOSIS. Identifiers: Orphanet 314637, MedGen C4749921, MONDO:0013865, OMIM 614702.

Submission:

Labcorp Genetics (formerly Invitae), Labcorp
Classification: Pathogenic for Mitochondrial hypertrophic cardiomyopathy with lactic acidosis due to MTO1 deficiency. Last evaluated: 2025-01-07. Review status: criteria provided, single submitter. Criteria: Invitae Variant Classification Sherloc (09022015). Collection method: clinical testing. Allele origin: germline.
Comment: This sequence change creates a premature translational stop signal (p.Lys86Argfs*4) in the MTO1 gene. It is expected to result in an absent or disrupted protein product. Loss-of-function variants in MTO1 are known to be pathogenic (PMID: 22608499, 25058219). This variant is not present in population databases (gnomAD no frequency). This variant has not been reported in the literature in individuals affected with MTO1-related conditions. For these reasons, this variant has been classified as Pathogenic.

Literature cited by the submitters: PubMed 22608499; PubMed 25058219.

NM_012123.4(MTO1):c.257del (p.Lys86fs)

Gene: MTO1 (mitochondrial tRNA translation optimization 1; plus strand). Cytogenetic location: 6q13.
Variant type: Deletion.
Coding change: c.257del on transcript NM_012123.4 (MANE Select); coding-DNA position 257, one base deleted (A; older notation c.257delA).
Protein change: p.Lys86fs; shifts the reading frame from lysine 86.
Molecular consequence: frameshift variant.
Genome position (GRCh38, 1-based): chr6:73,466,248, A deleted; the last of 3 consecutive A bases (chr6:73,466,246-73,466,248); deleting any one gives the same sequence. VCF-style (leftmost placement, unchanged base first): chr6-73466245-GA-G. GRCh37 (hg19) VCF-style: chr6-74175968-GA-G.
Other names: c.257del, p.Lys86fs (NM_001123226.2, NM_133645.3); short protein forms K86fs.
Identifiers: ClinVar variation 3692083 (VCV003692083.2).